The following is an entry in ClinVar:

ClinVar aggregate classification (germline): Uncertain significance. Review status: criteria provided, multiple submitters, no conflicts (2 of 4 stars). 2 submissions from 2 submitters: Uncertain significance (2). Last evaluated 2025-12-08.

Conditions:
Hereditary cancer-predisposing syndrome. Also called: Hereditary neoplastic syndrome; Neoplastic Syndromes, Hereditary; Tumor predisposition; Hereditary Cancer Syndrome. Identifiers: Orphanet 140162, MedGen C0027672, MeSH D009386, MONDO:0015356.
DICER1-related tumor predisposition. Also called: DICER1-related pleuropulmonary blastoma cancer predisposition syndrome; DICER1 syndrome. Identifiers: Orphanet 284343, MedGen C3839822, MONDO:0100216.

Allele frequency attached by ClinVar (database versions not stated): gnomAD exomes below 0.00001.
gnomAD v4.1: 4 of 1,614,176 alleles (0.00025%); highest among the groups gnomAD compares: Non-Finnish European, 0.00034%; no homozygotes.

Submissions (2):

Ambry Genetics
Classification: Uncertain significance for Hereditary cancer-predisposing syndrome. Last evaluated: 2025-12-08. Review status: criteria provided, single submitter. Criteria: Ambry Variant Classification Scheme 2023. Collection method: clinical testing. Allele origin: germline.
Comment: The p.V1593L variant (also known as c.4777G>C), located in coding exon 22 of the DICER1 gene, results from a G to C substitution at nucleotide position 4777. The valine at codon 1593 is replaced by leucine, an amino acid with highly similar properties. This amino acid position is well conserved in available vertebrate species. In addition, this alteration is predicted to be tolerated by in silico analysis. Based on the available evidence, the clinical significance of this variant remains unclear.

Labcorp Genetics (formerly Invitae), Labcorp
Classification: Uncertain significance for DICER1-related tumor predisposition. Last evaluated: 2025-08-21. Review status: criteria provided, single submitter. Criteria: Invitae Variant Classification Sherloc (09022015). Collection method: clinical testing. Allele origin: germline.
Comment: This sequence change replaces valine, which is neutral and non-polar, with leucine, which is neutral and non-polar, at codon 1593 of the DICER1 protein (p.Val1593Leu). This variant is present in population databases (no rsID available, gnomAD 0.0009%). This variant has not been reported in the literature in individuals affected with DICER1-related conditions. ClinVar contains an entry for this variant (Variation ID: 412154). Invitae Evidence Modeling of protein sequence and biophysical properties (such as structural, functional, and spatial information, amino acid conservation, physicochemical variation, residue mobility, and thermodynamic stability) indicates that this missense variant is not expected to disrupt DICER1 protein function with a negative predictive value of 95%. In summary, the available evidence is currently insufficient to determine the role of this variant in disease. Therefore, it has been classified as a Variant of Uncertain Significance.

NM_177438.3(DICER1):c.4777G>C (p.Val1593Leu)

Gene: DICER1 (dicer 1, ribonuclease III; minus strand). Cytogenetic location: 14q32.13.
Variant type: single nucleotide variant.
Coding change: c.4777G>C on transcript NM_177438.3 (MANE Select); coding-DNA position 4777, G replaced by C.
Protein change: p.Val1593Leu; replaces valine 1593 with leucine.
Molecular consequence: missense variant.
Genome position (GRCh38, 1-based): chr14:95,096,143, C>G on the plus strand (G>C on the coding strand, the complement: DICER1 is on the minus strand). VCF-style: chr14-95096143-C-G. GRCh37 (hg19) VCF-style: chr14-95562480-C-G.
Other names: c.4777G>C, p.Val1593Leu (NM_001195573.1, NM_001271282.3, NM_001291628.2 and 1 more transcripts); short protein forms V1593L.
Identifiers: ClinVar variation 412154 (VCV000412154.12), dbSNP rs1060503644, ClinGen allele CA16614496.
Genomic context (GRCh38, chr14:95,096,143, plus strand): 5'-GGCTGTTGAAATTCTCCCGAGTAGGGCACAGGGCCTTTTCCCGATCAGTCCTTTTAATTA[C>G]CGGGAGCACCTTCAGCCCCAGTGAACAGAGGAAAAGCTGAGCAGCCCTCTCCCCACAGCT-3'
Protein context (NP_803187.1, residues 1583-1603): LCSLGLKVLP[Val1593Leu]IKRTDREKAL